The following is an entry in ClinVar:

ClinVar aggregate classification (germline): Uncertain significance (1 of 4 stars; one submission).

Submission:

ARUP Laboratories, Molecular Genetics and Genomics, ARUP Laboratories
Classification: Uncertain significance. Last evaluated: 2018-08-31. Review status: criteria provided, single submitter. Criteria: ARUP Molecular Germline Variant Investigation Process. Collection method: clinical testing. Allele origin: germline.
Comment: The PJVK c.868_870delAAA; p.Lys290del variant, to our knowledge, is not reported in the medical literature or gene specific databases. This variant is also absent from general population databases (1000 Genomes Project, Exome Variant Server, and Genome Aggregation Database), indicating that it is not a common polymorphism. This variant deletes a single lysine residue leaving the rest of the protein in-frame. Due to limited information, the clinical significance of this variant is uncertain at this time.

NM_001042702.5(PJVK):c.868_870del (p.Lys290del)

Gene: PJVK (pejvakin; plus strand). Cytogenetic location: 2q31.2.
Variant type: Deletion.
Coding change: c.868_870del on transcript NM_001042702.5 (MANE Select); coding-DNA positions 868 to 870, 3 bases deleted (AAA; older notation c.868_870delAAA).
Protein change: p.Lys290del; deletes lysine 290.
Molecular consequence: inframe deletion.
Genome position (GRCh38, 1-based): chr2:178,461,083-178,461,085, AAA deleted. VCF-style (leftmost placement, unchanged base first): chr2-178461082-CAAA-C. GRCh37 (hg19) VCF-style: chr2-179325809-CAAA-C.
Other names: c.877_879del, p.Lys293del (NM_001353775.2); c.874_876del, p.Lys292del (NM_001353776.2); c.391_393del, p.Lys131del (NM_001353777.1, NM_001353778.2); c.868_870del, p.Lys290del (NM_001369912.1); short protein forms K131del, K290del, K292del, K293del.
Identifiers: ClinVar variation 811109 (VCV000811109.8), dbSNP rs1575125659, ClinGen allele CA915942169.
Genomic context (GRCh38, chr2:178,461,082, plus strand): 5'-CTTGGATGATCTTTTTTCTGACTACTATGACAAACCTCTCAGCATGACTGATATTTCACT[CAAA>C]GAAGGGACCCATATCCGAGTTAACTTACTTAATCACAACATTCCCAAAGGGCCTTGCATA-3'